The following is an entry in ClinVar:

NM_001366207.1(DLG1):c.483+10801G>A

Gene: DLG1 (discs large MAGUK scaffold protein 1; minus strand). Cytogenetic location: 3q29.
Variant type: single nucleotide variant.
Coding change: c.483+10801G>A on transcript NM_001366207.1 (MANE Select); 10801 bases into the intron after coding-DNA position 483, G replaced by A.
Molecular consequence: intron variant. On other transcripts: missense variant (4), non-coding transcript variant (2).
Genome position (GRCh38, 1-based): chr3:197,183,624, C>T on the plus strand (G>A on the coding strand, the complement: DLG1 is on the minus strand). VCF-style: chr3-197183624-C-T. GRCh37 (hg19) VCF-style: chr3-196910495-C-T.
Other names: c.185G>A, p.Arg62Gln (NM_001204387.2, NM_001204388.2, NM_001366221.1 and 1 more transcripts); c.483+10801G>A (NM_001366203.1, NM_001290983.2, NM_001366204.1 and 19 more transcripts); short protein forms R62Q.
Identifiers: ClinVar variation 4984315 (VCV004984315.1).
Genomic context (GRCh38, chr3:197,183,624, plus strand): 5'-TGGTATGTTACCTGGGTGGAGCTGGTGGCTACCGAGATGCAGTCAATAAAGCTGTGTCTT[C>T]GAGTGAAAAATGCAACTATCTGCTGCCAGCGTGAAGGTTCTGGCTCAGCTTGCAGTTCAT-3'

ClinVar aggregate classification (germline): Uncertain significance (1 of 4 stars; one submission).

Conditions:
DLG1-related disorder. Also called: DLG1-related condition.

gnomAD v4.1: 5 of 1,550,410 alleles (0.00032%); highest among the groups gnomAD compares: Admixed American, 0.0059%; no homozygotes.

Submission:

PreventionGenetics, part of Exact Sciences
Classification: Uncertain significance for DLG1-related condition. Last evaluated: 2026-03-31. Review status: criteria provided, single submitter. Criteria: ACMG Guidelines, 2015. Collection method: clinical testing. Allele origin: germline.
Comment: The DLG1 c.185G>A variant is predicted to result in the amino acid substitution p.Arg62Gln. To our knowledge, this variant has not been reported in the literature. This variant is reported in 0.0081% of alleles in individuals of Latino descent in gnomAD. At this time, the clinical significance of this variant is uncertain due to the absence of conclusive functional and genetic evidence.